The following is an entry in ClinVar:

NM_001377.3(DYNC2H1):c.1953+231A>G

Gene: DYNC2H1 (dynein cytoplasmic 2 heavy chain 1; plus strand). Cytogenetic location: 11q22.3.
Variant type: single nucleotide variant.
Coding change: c.1953+231A>G on transcript NM_001377.3 (MANE Select); 231 bases into the intron after coding-DNA position 1953, A replaced by G.
Molecular consequence: intron variant.
Genome position (GRCh38, 1-based): chr11:103,129,236, A>G. VCF-style: chr11-103129236-A-G. GRCh37 (hg19) VCF-style: chr11-102999965-A-G.
Other names: NC_000011.9:g.102999965A>G; c.1953+231A>G (NM_001080463.2).
Identifiers: ClinVar variation 672810 (VCV000672810.2), dbSNP rs17373533, ClinGen allele CA13523518.

ClinVar aggregate classification (germline): Benign (1 of 4 stars; one submission).

Allele frequency attached by ClinVar (database versions not stated): 1000 Genomes Project 30x 0.07121; 1000 Genomes Project 0.07208; TOPMed 0.07788; gnomAD 0.08943 and 0.09003.
gnomAD v4.1: 13,678 of 152,288 alleles (9%); highest among the groups gnomAD compares: Non-Finnish European, 12%; 783 homozygotes.

Submissions (8):

GeneDx
Classification: Benign. Last evaluated: 2018-06-14. Review status: criteria provided, single submitter. Criteria: GeneDx Variant Classification (06012015). Collection method: clinical testing. Allele origin: germline. Affected: yes.
Comment: This variant is considered likely benign or benign based on one or more of the following criteria: it is a conservative change, it occurs at a poorly conserved position in the protein, it is predicted to be benign by multiple in silico algorithms, and/or has population frequency not consistent with disease.

Dr. Peter K. Rogan Lab, Western University
No classification provided (evidence only). Condition: Acute myeloid leukemia. Review status: no classification provided. Collection method: in vitro. Allele origin: not applicable. Functional consequence: retained intron. Not counted in ClinVar's aggregate classification.

Dr. Peter K. Rogan Lab, Western University
No classification provided (evidence only). Condition: Acute myeloid leukemia. Review status: no classification provided. Collection method: in vitro. Allele origin: not applicable. Functional consequence: retained intron. Not counted in ClinVar's aggregate classification.

Dr. Peter K. Rogan Lab, Western University
No classification provided (evidence only). Condition: Acute myeloid leukemia. Review status: no classification provided. Collection method: in vitro. Allele origin: not applicable. Functional consequence: retained intron. Not counted in ClinVar's aggregate classification.

Dr. Peter K. Rogan Lab, Western University
No classification provided (evidence only). Condition: Acute myeloid leukemia. Review status: no classification provided. Collection method: in vitro. Allele origin: not applicable. Functional consequence: retained intron. Not counted in ClinVar's aggregate classification.

Dr. Peter K. Rogan Lab, Western University
No classification provided (evidence only). Condition: Acute myeloid leukemia. Review status: no classification provided. Collection method: in vitro. Allele origin: not applicable. Functional consequence: retained intron. Not counted in ClinVar's aggregate classification.

Dr. Peter K. Rogan Lab, Western University
No classification provided (evidence only). Condition: Malignant tumor of esophagus. Review status: no classification provided. Collection method: in vitro. Allele origin: not applicable. Functional consequence: retained intron. Not counted in ClinVar's aggregate classification.

Dr. Peter K. Rogan Lab, Western University
No classification provided (evidence only). Condition: Malignant tumor of esophagus. Review status: no classification provided. Collection method: in vitro. Allele origin: not applicable. Functional consequence: retained intron. Not counted in ClinVar's aggregate classification.